The following is an entry in ClinVar:

ClinVar aggregate classification (germline): Likely benign (1 of 4 stars; one submission).

Allele frequency attached by ClinVar (database versions not stated): 1000 Genomes Project 0.00280; 1000 Genomes Project 30x 0.00297; gnomAD 0.00326 and 0.00352; TOPMed 0.00332.
gnomAD v4.1: 774 of 1,007,876 alleles (0.077%); highest among the groups gnomAD compares: African/African-American, 1.2%; 3 homozygotes.

Submission:

GeneDx
Classification: Likely benign. Last evaluated: 2018-06-17. Review status: criteria provided, single submitter. Criteria: GeneDx Variant Classification (06012015). Collection method: clinical testing. Allele origin: germline. Affected: yes.
Comment: This variant is considered likely benign or benign based on one or more of the following criteria: it is a conservative change, it occurs at a poorly conserved position in the protein, it is predicted to be benign by multiple in silico algorithms, and/or has population frequency not consistent with disease.

NM_000179.3(MSH6):c.3172+122A>T

Gene: MSH6 (mutS homolog 6; plus strand). Cytogenetic location: 2p16.3.
Variant type: single nucleotide variant.
Coding change: c.3172+122A>T on transcript NM_000179.3 (MANE Select); 122 bases into the intron after coding-DNA position 3172, A replaced by T.
Molecular consequence: intron variant.
Genome position (GRCh38, 1-based): chr2:47,801,277, A>T. VCF-style: chr2-47801277-A-T. GRCh37 (hg19) VCF-style: chr2-48028416-A-T.
Other names: c.2266+122A>T (NM_001281493.2, NM_001281494.2); c.2782+122A>T (NM_001281492.2).
Identifiers: ClinVar variation 676291 (VCV000676291.1), dbSNP rs3136336, ClinGen allele CA46713257.